The following is an entry in ClinVar:

ClinVar aggregate classification (germline): Uncertain significance (1 of 4 stars; one submission).

Conditions:
Insulin-dependent diabetes mellitus secretory diarrhea syndrome (IPEX). Also called: Immunodeficiency, Polyendocrinopathy, and Enteropathy X-Linked Syndrome; X-Linked Syndrome of Polyendocrinopathy, Immune Dysfunction, and Diarrhea; IMMUNODEFICIENCY, POLYENDOCRINOPATHY, AND ENTEROPATHY, X-LINKED; IPEX and IPEX-Like; DIABETES MELLITUS, CONGENITAL INSULIN-DEPENDENT, WITH FATAL SECRETORY DIARRHEA; DIARRHEA, POLYENDOCRINOPATHY, FATAL INFECTION SYNDROME, X-LINKED. Identifiers: Orphanet 37042, MedGen C0342288, MONDO:0010580, OMIM 304790. Disease mechanism: loss of function.

Submission:

Labcorp Genetics (formerly Invitae), Labcorp
Classification: Uncertain significance for Insulin-dependent diabetes mellitus secretory diarrhea syndrome. Last evaluated: 2022-10-27. Review status: criteria provided, single submitter. Criteria: Invitae Variant Classification Sherloc (09022015). Collection method: clinical testing. Allele origin: germline.
Comment: Advanced modeling of protein sequence and biophysical properties (such as structural, functional, and spatial information, amino acid conservation, physicochemical variation, residue mobility, and thermodynamic stability) performed at Invitae indicates that this missense variant is not expected to disrupt FOXP3 protein function. In summary, the available evidence is currently insufficient to determine the role of this variant in disease. Therefore, it has been classified as a Variant of Uncertain Significance. This sequence change replaces serine, which is neutral and polar, with glycine, which is neutral and non-polar, at codon 418 of the FOXP3 protein (p.Ser418Gly). This variant is not present in population databases (gnomAD no frequency). This variant has not been reported in the literature in individuals affected with FOXP3-related conditions.

NM_014009.4(FOXP3):c.1252A>G (p.Ser418Gly)

Gene: FOXP3 (forkhead box P3; minus strand). Cytogenetic location: Xp11.23.
Variant type: single nucleotide variant.
Coding change: c.1252A>G on transcript NM_014009.4 (MANE Select); coding-DNA position 1252, A replaced by G.
Protein change: p.Ser418Gly; replaces serine 418 with glycine.
Molecular consequence: missense variant.
Genome position (GRCh38, 1-based): chrX:49,251,378, T>C on the plus strand (A>G on the coding strand, the complement: FOXP3 is on the minus strand). VCF-style: chrX-49251378-T-C. GRCh37 (hg19) VCF-style: chrX-49107839-T-C.
Other names: c.1147A>G, p.Ser383Gly (NM_001114377.2); short protein forms S418G, S383G.
Identifiers: ClinVar variation 2794578 (VCV002794578.3), dbSNP rs2519185660, ClinGen allele CA412947197.